The following is an entry in ClinVar:

ClinVar aggregate classification (germline): Uncertain significance (1 of 4 stars; one submission).

Conditions:
DICER1-related tumor predisposition. Also called: DICER1-related pleuropulmonary blastoma cancer predisposition syndrome; DICER1 syndrome. Identifiers: Orphanet 284343, MedGen C3839822, MONDO:0100216.

Submission:

Labcorp Genetics (formerly Invitae), Labcorp
Classification: Uncertain significance for DICER1-related tumor predisposition. Last evaluated: 2025-10-06. Review status: criteria provided, single submitter. Criteria: Invitae Variant Classification Sherloc (09022015). Collection method: clinical testing. Allele origin: germline.
Comment: This sequence change replaces arginine, which is basic and polar, with lysine, which is basic and polar, at codon 758 of the DICER1 protein (p.Arg758Lys). This variant is not present in population databases (gnomAD no frequency). This variant has not been reported in the literature in individuals affected with DICER1-related conditions. ClinVar contains an entry for this variant (Variation ID: 2693084). Invitae Evidence Modeling of protein sequence and biophysical properties (such as structural, functional, and spatial information, amino acid conservation, physicochemical variation, residue mobility, and thermodynamic stability) indicates that this missense variant is not expected to disrupt DICER1 protein function with a negative predictive value of 95%. In summary, the available evidence is currently insufficient to determine the role of this variant in disease. Therefore, it has been classified as a Variant of Uncertain Significance.

NM_177438.3(DICER1):c.2273G>A (p.Arg758Lys)

Gene: DICER1 (dicer 1, ribonuclease III; minus strand). Cytogenetic location: 14q32.13.
Variant type: single nucleotide variant.
Coding change: c.2273G>A on transcript NM_177438.3 (MANE Select); coding-DNA position 2273, G replaced by A.
Protein change: p.Arg758Lys; replaces arginine 758 with lysine.
Molecular consequence: missense variant. On other transcripts: non-coding transcript variant (6).
Genome position (GRCh38, 1-based): chr14:95,108,487, C>T on the plus strand (G>A on the coding strand, the complement: DICER1 is on the minus strand). VCF-style: chr14-95108487-C-T. GRCh37 (hg19) VCF-style: chr14-95574824-C-T.
Other names: c.2273G>A, p.Arg758Lys (NM_001195573.1, NM_001271282.3, NM_001291628.2 and 13 more transcripts); c.1991G>A, p.Arg664Lys (NM_001395686.1); c.1868G>A, p.Arg623Lys (NM_001395687.1, NM_001395688.1, NM_001395689.1 and 2 more transcripts); c.1706G>A, p.Arg569Lys (NM_001395691.1); c.590G>A, p.Arg197Lys (NM_001395697.1); short protein forms R758K, R569K, R623K, R197K, R664K.
Identifiers: ClinVar variation 2693084 (VCV002693084.3), dbSNP rs2542857761, ClinGen allele CA390882407.